The following is an entry in ClinVar:

ClinVar aggregate classification (germline): Conflicting classifications of pathogenicity. Review status: criteria provided, conflicting classifications (1 of 4 stars). 3 submissions from 3 submitters: Uncertain significance (2); Likely benign (1). Last evaluated 2025-05-05.

Allele frequency attached by ClinVar (database versions not stated): gnomAD exomes 0.00016 and 0.00025; ExAC 0.00017; gnomAD 0.00017; TOPMed 0.00018; ESP Exome Variant Server 0.00038.
gnomAD v4.1: 390 of 1,614,002 alleles (0.024%); highest among the groups gnomAD compares: Non-Finnish European, 0.03%; no homozygotes.

Submissions (3):

Ambry Genetics
Classification: Uncertain significance. Last evaluated: 2025-05-05. Review status: criteria provided, single submitter. Criteria: Ambry Variant Classification Scheme 2023. Collection method: clinical testing. Allele origin: germline.

Blueprint Genetics
Classification: Likely benign. Last evaluated: 2024-11-18. Review status: criteria provided, single submitter. Criteria: ACMG Guidelines, 2015. Collection method: clinical testing. Allele origin: germline.

Labcorp Genetics (formerly Invitae), Labcorp
Classification: Uncertain significance. Last evaluated: 2023-11-27. Review status: criteria provided, single submitter. Criteria: Invitae Variant Classification Sherloc (09022015). Collection method: clinical testing. Allele origin: germline.
Comment: This sequence change replaces glutamic acid, which is acidic and polar, with aspartic acid, which is acidic and polar, at codon 213 of the EXOSC2 protein (p.Glu213Asp). This variant is present in population databases (rs147223725, gnomAD 0.03%). This variant has not been reported in the literature in individuals affected with EXOSC2-related conditions. ClinVar contains an entry for this variant (Variation ID: 935679). Advanced modeling of protein sequence and biophysical properties (such as structural, functional, and spatial information, amino acid conservation, physicochemical variation, residue mobility, and thermodynamic stability) performed at Invitae indicates that this missense variant is not expected to disrupt EXOSC2 protein function with a negative predictive value of 80%. In summary, the available evidence is currently insufficient to determine the role of this variant in disease. Therefore, it has been classified as a Variant of Uncertain Significance.

NM_014285.7(EXOSC2):c.639A>C (p.Glu213Asp)

Gene: EXOSC2 (exosome component 2; plus strand). Cytogenetic location: 9q34.12.
Variant type: single nucleotide variant.
Coding change: c.639A>C on transcript NM_014285.7 (MANE Select); coding-DNA position 639, A replaced by C.
Protein change: p.Glu213Asp; replaces glutamic acid 213 with aspartic acid.
Molecular consequence: missense variant. On other transcripts: non-coding transcript variant (1).
Genome position (GRCh38, 1-based): chr9:130,702,277, A>C. VCF-style: chr9-130702277-A-C. GRCh37 (hg19) VCF-style: chr9-133577664-A-C.
Other names: c.561A>C, p.Glu187Asp (NM_001282708.1); c.549A>C, p.Glu183Asp (NM_001282709.1); c.639A>C (NM_014285.5); short protein forms E183D, E187D, E213D.
Identifiers: ClinVar variation 935679 (VCV000935679.9), dbSNP rs147223725, ClinGen allele CA5284929.
Genomic context (GRCh38, chr9:130,702,277, plus strand): 5'-CTCAGTGATTCTCGGTAACAACGGCTTCATCTGGATTTACCCAACACCTGAGCACAAAGA[A>C]GAGGAAGCAGGGGGCTTCATTGCAAACCTGGAGGTGAGCAAACACTGTGGCCATTTTCAG-3'
Protein context (NP_055100.2, residues 203-223): IWIYPTPEHK[Glu213Asp]EEAGGFIANL